The following is an entry in ClinVar:

ClinVar aggregate classification (germline): Uncertain significance (1 of 4 stars; one submission).

Conditions:
Cardiomyopathy (CMYO). Also called: Cardiomyopathies. Identifiers: Orphanet 167848, MedGen C0878544, MONDO:0004994, HP:0001638. Inheritance: Various modes of inheritance.

Submission:

Color Diagnostics, LLC DBA Color Health
Classification: Uncertain significance for Cardiomyopathy. Last evaluated: 2024-03-06. Review status: criteria provided, single submitter. Criteria: ACMG Guidelines, 2015. Collection method: clinical testing. Allele origin: germline.
Comment: This missense variant replaces leucine with valine at codon 237 of the RYR2 protein. Computational prediction is inconclusive regarding the impact of this variant on protein structure and function (internally defined REVEL score threshold 0.5 < inconclusive < 0.7, PMID: 27666373). To our knowledge, functional studies have not been reported for this variant. This variant has not been reported in individuals affected with cardiovascular disorders in the literature. This variant has not been identified in the general population by the Genome Aggregation Database (gnomAD). The available evidence is insufficient to determine the role of this variant in disease conclusively. Therefore, this variant is classified as a Variant of Uncertain Significance.

NM_001035.3(RYR2):c.709C>G (p.Leu237Val)

Gene: RYR2 (ryanodine receptor 2; plus strand). Cytogenetic location: 1q43.
Variant type: single nucleotide variant.
Coding change: c.709C>G on transcript NM_001035.3 (MANE Select); coding-DNA position 709, C replaced by G.
Protein change: p.Leu237Val; replaces leucine 237 with valine.
Molecular consequence: missense variant.
Genome position (GRCh38, 1-based): chr1:237,388,119, C>G. VCF-style: chr1-237388119-C-G. GRCh37 (hg19) VCF-style: chr1-237551419-C-G.
Other names: short protein forms L237V.
Identifiers: ClinVar variation 691375 (VCV000691375.4), dbSNP rs1572095614, ClinGen allele CA345378185.
Genomic context (GRCh38, chr1:237,388,119, plus strand): 5'-AGACCTGAATGATTTTTTATCCTTACAGGGTATCTCATTGGTGGTGATGTCCTCAGGTTG[C>G]TGCATGGACACATGGACGAGTGTCTCACTGTCCCTTCAGGAGAACATGGTGAAGAGCAGC-3'
Protein context (NP_001026.2, residues 227-247): YLIGGDVLRL[Leu237Val]HGHMDECLTV